The following is an entry in ClinVar:

NM_001184.4(ATR):c.1860A>C (p.Leu620Phe)

Gene: ATR (ATR checkpoint kinase; minus strand). Cytogenetic location: 3q23.
Variant type: single nucleotide variant.
Coding change: c.1860A>C on transcript NM_001184.4 (MANE Select); coding-DNA position 1860, A replaced by C.
Protein change: p.Leu620Phe; replaces leucine 620 with phenylalanine.
Molecular consequence: missense variant.
Genome position (GRCh38, 1-based): chr3:142,558,649, T>G on the plus strand (A>C on the coding strand, the complement: ATR is on the minus strand). VCF-style: chr3-142558649-T-G. GRCh37 (hg19) VCF-style: chr3-142277491-T-G.
Other names: c.1668A>C, p.Leu556Phe (NM_001354579.2); short protein forms L620F, L556F.
Identifiers: ClinVar variation 835750 (VCV000835750.12), dbSNP rs762564926, ClinGen allele CA2650501.

ClinVar aggregate classification (germline): Uncertain significance. Review status: criteria provided, multiple submitters, no conflicts (2 of 4 stars). 4 submissions from 3 submitters: Uncertain significance (4). Last evaluated 2023-02-08.

Conditions:
Familial cutaneous telangiectasia and oropharyngeal predisposition cancer syndrome. Identifiers: Orphanet 313846, MedGen C3281203, MONDO:0013806, OMIM 614564.
Inborn genetic diseases. Identifiers: MedGen C0950123, MeSH D030342.
Seckel syndrome 1 (SCKL1). Also called: MICROCEPHALIC PRIMORDIAL DWARFISM I. Identifiers: Orphanet 808, MedGen C4551474, MONDO:0008869, OMIM 210600.

Allele frequency attached by ClinVar (database versions not stated): gnomAD exomes below 0.00001 and 0.00001; ExAC 0.00001.
gnomAD v4.1: 5 of 1,613,280 alleles (0.00031%); highest among the groups gnomAD compares: Non-Finnish European, 0.00042%; no homozygotes.

Submissions (4):

Genome-Nilou Lab
Classification: Uncertain significance for Seckel syndrome 1. Last evaluated: 2023-02-08. Review status: criteria provided, single submitter. Criteria: ACMG Guidelines, 2015. Collection method: clinical testing. Allele origin: germline.

Genome-Nilou Lab
Classification: Uncertain significance for Familial cutaneous telangiectasia and oropharyngeal predisposition cancer syndrome. Last evaluated: 2023-02-08. Review status: criteria provided, single submitter. Criteria: ACMG Guidelines, 2015. Collection method: clinical testing. Allele origin: germline.

Ambry Genetics
Classification: Uncertain significance for Inborn genetic diseases. Last evaluated: 2022-09-10. Review status: criteria provided, single submitter. Criteria: Ambry Variant Classification Scheme 2023. Collection method: clinical testing. Allele origin: germline.
Comment: The p.L620F variant (also known as c.1860A>C), located in coding exon 8 of the ATR gene, results from an A to C substitution at nucleotide position 1860. The leucine at codon 620 is replaced by phenylalanine, an amino acid with highly similar properties. This amino acid position is conserved. In addition, this alteration is predicted to be tolerated by in silico analysis. Since supporting evidence is limited at this time, the clinical significance of this alteration remains unclear.

Labcorp Genetics (formerly Invitae), Labcorp
Classification: Uncertain significance. Last evaluated: 2020-03-10. Review status: criteria provided, single submitter. Criteria: Invitae Variant Classification Sherloc (09022015). Collection method: clinical testing. Allele origin: germline.
Comment: This sequence change replaces leucine with phenylalanine at codon 620 of the ATR protein (p.Leu620Phe). The leucine residue is moderately conserved and there is a small physicochemical difference between leucine and phenylalanine. This variant is present in population databases (rs762564926, ExAC 0.002%). This variant has not been reported in the literature in individuals with ATR-related conditions. Algorithms developed to predict the effect of missense changes on protein structure and function are either unavailable or do not agree on the potential impact of this missense change (SIFT: "Tolerated"; PolyPhen-2: "Possibly Damaging"; Align-GVGD: "Class C0"). Algorithms developed to predict the effect of sequence changes on RNA splicing suggest that this variant may create or strengthen a splice site, but this prediction has not been confirmed by published transcriptional studies. In summary, the available evidence is currently insufficient to determine the role of this variant in disease. Therefore, it has been classified as a Variant of Uncertain Significance.